The following is an entry in ClinVar:

ClinVar aggregate classification (germline): Uncertain significance (1 of 4 stars; one submission).

Conditions:
Brugada syndrome 4 (BRGDA4). Identifiers: Orphanet 130, MedGen C2678477, MONDO:0012743, OMIM 611876.

Submission:

Labcorp Genetics (formerly Invitae), Labcorp
Classification: Uncertain significance for Brugada syndrome 4. Last evaluated: 2023-03-07. Review status: criteria provided, single submitter. Criteria: Invitae Variant Classification Sherloc (09022015). Collection method: clinical testing. Allele origin: germline.
Comment: In summary, the available evidence is currently insufficient to determine the role of this variant in disease. Therefore, it has been classified as a Variant of Uncertain Significance. Advanced modeling of protein sequence and biophysical properties (such as structural, functional, and spatial information, amino acid conservation, physicochemical variation, residue mobility, and thermodynamic stability) performed at Invitae indicates that this missense variant is expected to disrupt CACNB2 protein function. This variant has not been reported in the literature in individuals affected with CACNB2-related conditions. This variant is not present in population databases (gnomAD no frequency). This sequence change replaces glutamic acid, which is acidic and polar, with lysine, which is basic and polar, at codon 289 of the CACNB2 protein (p.Glu289Lys).

NM_201596.3(CACNB2):c.1027G>A (p.Glu343Lys)

Gene: CACNB2 (calcium voltage-gated channel auxiliary subunit beta 2; plus strand). Cytogenetic location: 10p12.31.
Variant type: single nucleotide variant.
Coding change: c.1027G>A on transcript NM_201596.3 (MANE Select); coding-DNA position 1027, G replaced by A.
Protein change: p.Glu343Lys; replaces glutamic acid 343 with lysine.
Molecular consequence: missense variant.
Genome position (GRCh38, 1-based): chr10:18,527,670, G>A. VCF-style: chr10-18527670-G-A. GRCh37 (hg19) VCF-style: chr10-18816599-G-A.
Other names: c.862G>A, p.Glu288Lys (NM_000724.4); c.829G>A, p.Glu277Lys (NM_001167945.2); c.748G>A, p.Glu250Lys (NM_001330060.2); c.769G>A, p.Glu257Lys (NM_001410882.1); c.883G>A, p.Glu295Lys (NM_201570.3); c.943G>A, p.Glu315Lys (NM_201571.4); c.871G>A, p.Glu291Lys (NM_201572.4); c.865G>A, p.Glu289Lys (NM_201590.3); and 2 more; short protein forms E257K, E288K, E289K, E343K, E291K, E295K, E250K, E277K.
Identifiers: ClinVar variation 2843277 (VCV002843277.3), dbSNP rs1554838959, ClinGen allele CA376065330.